The following is an entry in ClinVar:

NM_001846.4(COL4A2):c.205C>T (p.Gln69Ter)

Gene: COL4A2 (collagen type IV alpha 2 chain; plus strand). Cytogenetic location: 13q34.
Variant type: single nucleotide variant.
Coding change: c.205C>T on transcript NM_001846.4 (MANE Select); coding-DNA position 205, C replaced by T.
Protein change: p.Gln69Ter; replaces glutamine 69 with a stop codon.
Molecular consequence: nonsense.
Genome position (GRCh38, 1-based): chr13:110,424,758, C>T. VCF-style: chr13-110424758-C-T. GRCh37 (hg19) VCF-style: chr13-111077105-C-T.
Other names: short protein forms Q69*.
Identifiers: ClinVar variation 1696957 (VCV001696957.2), dbSNP rs1175562839, ClinGen allele CA388727909.

ClinVar aggregate classification (germline): Uncertain significance (1 of 4 stars; one submission).

Allele frequency attached by ClinVar (database versions not stated): gnomAD exomes below 0.00001.

Submission:

GeneDx
Classification: Uncertain significance. Last evaluated: 2022-01-11. Review status: criteria provided, single submitter. Criteria: GeneDx Variant Classification Process June 2021. Collection method: clinical testing. Allele origin: germline. Affected: yes.
Comment: Nonsense variant predicted to result in protein truncation or nonsense mediated decay in a gene for which loss-of-function is not a known mechanism of disease; Has not been previously published as pathogenic or benign to our knowledge